The following is an entry in ClinVar:

ClinVar aggregate classification (germline): Uncertain significance (1 of 4 stars; one submission).

Conditions:
Maple syrup urine disease, mild variant (MSUDMV). Identifiers: Orphanet 511, MedGen C3554575, MONDO:0014057, OMIM 615135.

Allele frequency attached by ClinVar (database versions not stated): gnomAD exomes below 0.00001; TOPMed below 0.00001; ExAC 0.00001.

Submission:

Labcorp Genetics (formerly Invitae), Labcorp
Classification: Uncertain significance for Maple syrup urine disease, mild variant. Last evaluated: 2022-06-13. Review status: criteria provided, single submitter. Criteria: Invitae Variant Classification Sherloc (09022015). Collection method: clinical testing. Allele origin: germline.
Comment: In summary, the available evidence is currently insufficient to determine the role of this variant in disease. Therefore, it has been classified as a Variant of Uncertain Significance. Algorithms developed to predict the effect of missense changes on protein structure and function are either unavailable or do not agree on the potential impact of this missense change (SIFT: "Deleterious"; PolyPhen-2: "Benign"; Align-GVGD: "Class C15"). ClinVar contains an entry for this variant (Variation ID: 580759). This variant has not been reported in the literature in individuals affected with PPM1K-related conditions. This variant is present in population databases (rs770171465, gnomAD 0.003%). This sequence change replaces alanine, which is neutral and non-polar, with aspartic acid, which is acidic and polar, at codon 170 of the PPM1K protein (p.Ala170Asp).

NM_152542.5(PPM1K):c.509C>A (p.Ala170Asp)

Gene: PPM1K (protein phosphatase, Mg2+/Mn2+ dependent 1K; minus strand). Cytogenetic location: 4q22.1.
Variant type: single nucleotide variant.
Coding change: c.509C>A on transcript NM_152542.5 (MANE Select); coding-DNA position 509, C replaced by A.
Protein change: p.Ala170Asp; replaces alanine 170 with aspartic acid.
Molecular consequence: missense variant.
Genome position (GRCh38, 1-based): chr4:88,277,175, G>T on the plus strand (C>A on the coding strand, the complement: PPM1K is on the minus strand). VCF-style: chr4-88277175-G-T. GRCh37 (hg19) VCF-style: chr4-89198327-G-T.
Other names: short protein forms A170D.
Identifiers: ClinVar variation 580759 (VCV000580759.8), dbSNP rs770171465, ClinGen allele CA3005272.